The following is an entry in ClinVar:

NM_001371623.1(TCOF1):c.2314G>A (p.Glu772Lys)

Gene: TCOF1 (treacle ribosome biogenesis factor 1; plus strand). Cytogenetic location: 5q32.
Variant type: single nucleotide variant.
Coding change: c.2314G>A on transcript NM_001371623.1 (MANE Select); coding-DNA position 2314, G replaced by A.
Protein change: p.Glu772Lys; replaces glutamic acid 772 with lysine.
Molecular consequence: missense variant.
Genome position (GRCh38, 1-based): chr5:150,376,594, G>A. VCF-style: chr5-150376594-G-A. GRCh37 (hg19) VCF-style: chr5-149756157-G-A.
Other names: c.2083G>A, p.Glu695Lys (NM_000356.4, NM_001135245.2); c.2314G>A, p.Glu772Lys (NM_001008657.3, NM_001135243.2, NM_001135244.2 and 1 more transcripts); short protein forms E772K, E695K.
Identifiers: ClinVar variation 2115343 (VCV002115343.4), dbSNP rs1463518856, ClinGen allele CA361755698.
Genomic context (GRCh38, chr5:150,376,594, plus strand): 5'-ACCCAGGTGAAAGCTGAAAAGCAGGAAGACTCTGAGAGCAGTGAGGAGGAATCAGACAGT[G>A]AGGAAGCAGCTGCATCTCCAGCACAGGTGAGGCCTAGAAGGAGCAGGCCCATCCCACCCA-3'
Protein context (NP_001358552.1, residues 762-782): SESSEEESDS[Glu772Lys]EAAASPAQVK

ClinVar aggregate classification (germline): Uncertain significance (1 of 4 stars; one submission).

Conditions:
Treacher Collins syndrome 1 (TCS1). Also called: TCOF1-Related Treacher Collins Syndrome. Identifiers: Orphanet 861, MedGen CN315775, MONDO:0007944, OMIM 154500.

Allele frequency attached by ClinVar (database versions not stated): gnomAD 0.00001.

Submission:

Labcorp Genetics (formerly Invitae), Labcorp
Classification: Uncertain significance for Treacher Collins syndrome 1. Last evaluated: 2022-03-20. Review status: criteria provided, single submitter. Criteria: Invitae Variant Classification Sherloc (09022015). Collection method: clinical testing. Allele origin: germline.
Comment: This variant is not present in population databases (gnomAD no frequency). This sequence change replaces glutamic acid, which is acidic and polar, with lysine, which is basic and polar, at codon 772 of the TCOF1 protein (p.Glu772Lys). In summary, the available evidence is currently insufficient to determine the role of this variant in disease. Therefore, it has been classified as a Variant of Uncertain Significance. Algorithms developed to predict the effect of missense changes on protein structure and function (SIFT, PolyPhen-2, Align-GVGD) all suggest that this variant is likely to be disruptive. This variant has not been reported in the literature in individuals affected with TCOF1-related conditions.